The following is an entry in ClinVar:

NM_003579.4(RAD54L):c.2236C>G (p.Leu746Val)

Genes: LRRC41 (leucine rich repeat containing 41; minus strand), RAD54L (RAD54 like; plus strand). Cytogenetic location: 1p34.1.
Variant type: single nucleotide variant.
Coding change: c.2236C>G on transcript NM_003579.4 (MANE Select); coding-DNA position 2236, C replaced by G.
Protein change: p.Leu746Val; replaces leucine 746 with valine.
Molecular consequence: missense variant. On other transcripts: 3 prime UTR variant (1).
Genome position (GRCh38, 1-based): chr1:46,278,274, C>G. VCF-style: chr1-46278274-C-G. GRCh37 (hg19) VCF-style: chr1-46743946-C-G.
Other names: c.*591G>C (NM_006369.5); c.2236C>G, p.Leu746Val (NM_001142548.2); c.1696C>G, p.Leu566Val (NM_001370766.1); short protein forms L746V, L566V.
Identifiers: ClinVar variation 1788191 (VCV001788191.2), dbSNP rs1434128594, ClinGen allele CA340191540.

ClinVar aggregate classification (germline): Uncertain significance (1 of 4 stars; one submission).

Submission:

Ambry Genetics
Classification: Uncertain significance. Last evaluated: 2021-09-02. Review status: criteria provided, single submitter. Criteria: Ambry Variant Classification Scheme 2023. Collection method: clinical testing. Allele origin: germline.
Comment: The p.L746V variant (also known as c.2236C>G), located in coding exon 18 of the RAD54L gene, results from a C to G substitution at nucleotide position 2236. The leucine at codon 746 is replaced by valine, an amino acid with highly similar properties. This amino acid position is conserved. In addition, this alteration is predicted to be tolerated by in silico analysis. Since supporting evidence is limited at this time, the clinical significance of this alteration remains unclear.